The following is an entry in ClinVar:

ClinVar aggregate classification (germline): Likely benign. Review status: criteria provided, multiple submitters, no conflicts (2 of 4 stars). 9 submissions from 9 submitters: Likely benign (5). 4 of the submissions do not count toward it. Last evaluated 2025-07-21.

Conditions:
PKD1-related disorder. Also called: PKD1-related condition.
Inborn genetic diseases. Identifiers: MedGen C0950123, MeSH D030342.
Polycystic kidney disease. Also called: Kidney, Polycystic; Polycystic kidney dysplasia. Identifiers: MedGen C0022680, MeSH D007690, MONDO:0020642, HP:0000113.

Allele frequency attached by ClinVar (database versions not stated): gnomAD exomes 0.00015 and 0.00043; ExAC 0.00063; gnomAD 0.00133 and 0.00140; TOPMed 0.00146; ESP Exome Variant Server 0.00159; 1000 Genomes Project 30x 0.00187; 1000 Genomes Project 0.00200.
gnomAD v4.1: 434 of 1,608,452 alleles (0.027%); highest among the groups gnomAD compares: African/African-American, 0.49%; 4 homozygotes.

Submissions (9):

Women's Health and Genetics/Laboratory Corporation of America, LabCorp
Classification: Likely benign. Last evaluated: 2025-07-21. Review status: criteria provided, single submitter. Criteria: LabCorp Variant Classification Summary - May 2015. Collection method: clinical testing. Allele origin: germline.
Comment: Variant summary: PKD1 c.1202C>T (p.Ala401Val) results in a non-conservative amino acid change in the encoded protein sequence. Algorithms developed to predict the effect of missense changes on protein structure and function are either unavailable or do not agree on the potential impact of this missense change. Consensus agreement among computation tools predict no significant impact on normal splicing. However, these predictions have yet to be confirmed by functional studies. The variant allele was found at a frequency of 0.00043 in 223812 control chromosomes, predominantly at a frequency of 0.0065 within the African or African-American subpopulation in the gnomAD database. The observed variant frequency within African or African-American control individuals in the gnomAD database exceeds the estimated maximal expected allele frequency for a pathogenic variant in PKD1 causing PKD1-Biallelic Autosomal Recessive Polycystic Kidney Disease phenotype. To our knowledge, no occurrence of c.1202C>T in individuals affected with PKD1-Biallelic Autosomal Recessive Polycystic Kidney Disease and no experimental evidence demonstrating its impact on protein function have been reported. ClinVar contains an entry for this variant (Variation ID: 997164). Based on the evidence outlined above, the variant was classified as likely benign.

Mayo Clinic Laboratories, Mayo Clinic
Classification: Likely benign. Last evaluated: 2025-04-18. Review status: criteria provided, single submitter. Criteria: ACMG Guidelines, 2015. Collection method: clinical testing. Allele origin: germline. Observed: 2 variant alleles.
Comment: BS1, BP4_moderate

CeGaT Center for Human Genetics Tuebingen
Classification: Likely benign. Last evaluated: 2025-02-01. Review status: criteria provided, single submitter. Criteria: CeGaT Center For Human Genetics Tuebingen Variant Classification Criteria Version 2. Collection method: clinical testing. Allele origin: germline. Affected: yes. Observed: 1 variant allele.
Comment: PKD1: BP4, BS2

Ambry Genetics
Classification: Likely benign for Inborn genetic diseases. Last evaluated: 2021-07-20. Review status: criteria provided, single submitter. Criteria: Ambry Variant Classification Scheme 2023. Collection method: clinical testing. Allele origin: germline.

Breakthrough Genomics
Classification: Likely benign. Review status: criteria provided, single submitter. Criteria: ACMG Guidelines, 2015. Collection method: not provided. Allele origin: germline. Inheritance: Autosomal dominant inheritance. Affected: yes.

PreventionGenetics, part of Exact Sciences
Classification: Benign for PKD1-related condition. Last evaluated: 2020-08-19. Review status: no assertion criteria provided. Collection method: clinical testing. Allele origin: germline. Not counted in ClinVar's aggregate classification.
Comment: This variant is classified as benign based on ACMG/AMP sequence variant interpretation guidelines (Richards et al. 2015 PMID: 25741868, with internal and published modifications).

Clinical Genetics DNA and cytogenetics Diagnostics Lab, Erasmus MC, Erasmus Medical Center
Classification: Likely benign. Review status: no assertion criteria provided. Collection method: clinical testing. Allele origin: germline. Affected: yes. Study: VKGL Data-share Consensus. Not counted in ClinVar's aggregate classification.

Department of Pathology and Laboratory Medicine, Sinai Health System
Classification: Likely benign for Polycystic Kidney disease. Review status: no assertion criteria provided. Collection method: clinical testing. Allele origin: unknown. Affected: yes. Study: The Canadian Open Genetics Repository (COGR). Not counted in ClinVar's aggregate classification.
Comment: The PKD1 p.Ala401Val variant was not identified in the literature nor was it identified in the ClinVar, COGR, LOVD 3.0, or PKD1-LOVD databases. The variant was identified in dbSNP (ID: rs139917246) as â€šÃ„ÃºNAâ€šÃ„Ã¹, and ADPKD Mutation Database (as likely neutral). The variant was identified in control databases in 140 of 251626 chromosomes at a frequency of 0.000556 increasing the likelihood this could be a low frequency variant (Genome Aggregation Database Feb 27, 2017). It was observed in the following populations including: African in 123 of 21130 chromosomes (freq: 0.005821), â€šÃ„ÃºOtherâ€šÃ„Ã¹ in 1 of 5966 chromosomes (freq: 0.000168), Latino in 7 of 33090 chromosomes (freq: 0.000212), European (Non-Finnish) in 4 of 112548 chromosomes (freq: 0.000036), East Asian in 2 of 17804 chromosomes (freq: 0.000112), and South Asian in 3 of 28636 chromosomes (freq: 0.000105), while the variant was not observed in the Ashkenazi Jewish, or European (Finnish) populations. The variant was identified with a co-occurring pathogenic PKD1 variant (p.His1347GlnfsX83), increasing the likelihood that the p.Ala401Val variant does not have clinical significance. The p.Ala401Val residue is not conserved in mammals and the variant amino acid Valine (Val) is present in rats, mice, dogs and opossum, increasing the likelihood that this variant does not have clinical significance. Computational analyses (PolyPhen-2, SIFT, AlignGVGD, BLOSUM, MutationTaster) do not suggest a high likelihood of impact to the protein; however, this information is not predictive enough to rule out pathogenicity. The p.Ala401Val variant occurs in the first base of the exon. This position has been shown to be part of the splicing consensus sequence and variants involving this position sometimes affect splicing. However, in silico or computational prediction software programs (SpliceSiteFinder, MaxEntScan, NNSPLICE, GeneSplicer, HumanSpliceFinder) do not predict a difference in splicing. In summary, based on the above information the clinical significance of this variant cannot be determined with certainty at this time although we would lean towards a more benign role for this variant. This variant is classified as likely benign.

Genome Diagnostics Laboratory, University Medical Center Utrecht
Classification: Benign. Review status: no assertion criteria provided. Collection method: clinical testing. Allele origin: germline. Affected: yes. Study: VKGL Data-share Consensus. Not counted in ClinVar's aggregate classification.

NM_001009944.3(PKD1):c.1202C>T (p.Ala401Val)

Gene: PKD1 (polycystin 1, transient receptor potential channel interacting; minus strand). Cytogenetic location: 16p13.3.
Variant type: single nucleotide variant.
Coding change: c.1202C>T on transcript NM_001009944.3 (MANE Select); coding-DNA position 1202, C replaced by T.
Protein change: p.Ala401Val; replaces alanine 401 with valine.
Molecular consequence: missense variant.
Genome position (GRCh38, 1-based): chr16:2,117,672, G>A on the plus strand (C>T on the coding strand, the complement: PKD1 is on the minus strand). VCF-style: chr16-2117672-G-A. GRCh37 (hg19) VCF-style: chr16-2167673-G-A.
Other names: p.Ala401Val; c.1202C>T (NM_000296.3, NM_001009944.2); c.1202C>T, p.Ala401Val (NM_000296.4); short protein forms A401V.
Identifiers: ClinVar variation 997164 (VCV000997164.21), dbSNP rs139917246, ClinGen allele CA7833574.
Genomic context (GRCh38, chr16:2,117,672, plus strand): 5'-CGGTAGCAGTGCCCGTTGCCAGGGAAGATCTCCGTGTCCGAGGGGCAGAGCGGGTGCACC[G>A]CTGGAGACCGGTGGGAACGAGGGTGTCAACGGTCAGTGTGGGCCCAAGACGGGGGTACCA-3'
Protein context (NP_001009944.3, residues 391-411): IVALGEEPAR[Ala401Val]VHPLCPSDTE